The following is an entry in ClinVar:

NM_001365951.3(KIF1B):c.4056G>A (p.Arg1352=)

Gene: KIF1B (kinesin family member 1B; plus strand). Cytogenetic location: 1p36.22.
Variant type: single nucleotide variant.
Coding change: c.4056G>A on transcript NM_001365951.3 (MANE Select); coding-DNA position 4056, G replaced by A.
Protein change: p.Arg1352=; no amino-acid change (arginine 1352 retained).
Molecular consequence: synonymous variant.
Genome position (GRCh38, 1-based): chr1:10,360,929, G>A. VCF-style: chr1-10360929-G-A. GRCh37 (hg19) VCF-style: chr1-10420987-G-A.
Other names: c.4056G>A, p.Arg1352= (NM_001365952.1); c.3918G>A, p.Arg1306= (NM_015074.3).
Identifiers: ClinVar variation 3533871 (VCV003533871.4).

ClinVar aggregate classification (germline): Conflicting classifications of pathogenicity. Review status: criteria provided, conflicting classifications (1 of 4 stars). 3 submissions from 3 submitters: Uncertain significance (2); Likely benign (1). Last evaluated 2024-07-31.

Conditions:
Charcot-Marie-Tooth disease type 2. Also called: Charcot-Marie-Tooth type 2. Identifiers: Orphanet 64746, MedGen C0270914, MONDO:0018993.
Neuroblastoma, susceptibility to, 1. Identifiers: MedGen C2749485, MONDO:0009741, OMIM 256700.
Charcot-Marie-Tooth disease type 2A1. Also called: CHARCOT-MARIE-TOOTH DISEASE, AXONAL, TYPE 2A1; CHARCOT-MARIE-TOOTH DISEASE, AXONAL, AUTOSOMAL DOMINANT, TYPE 2A1; CHARCOT-MARIE-TOOTH DISEASE, NEURONAL, TYPE 2A1; CHARCOT-MARIE-TOOTH NEUROPATHY, TYPE 2A1; HEREDITARY MOTOR AND SENSORY NEUROPATHY IIA1. Identifiers: Orphanet 99946, MedGen C1861678, MONDO:0007308, OMIM 118210.

gnomAD v4.1: 1 of 1,607,494 alleles (0.000062%); highest among the groups gnomAD compares: African/African-American, 0.0013%; no homozygotes.

Submissions (3):

Ambry Genetics
Classification: Likely benign. Last evaluated: 2024-07-31. Review status: criteria provided, single submitter. Criteria: Ambry Variant Classification Scheme 2023. Collection method: clinical testing. Allele origin: germline.

Fulgent Genetics
Classification: Uncertain significance for Charcot-Marie-Tooth disease type 2A1; Neuroblastoma, susceptibility to, 1. Last evaluated: 2024-06-15. Review status: criteria provided, single submitter. Criteria: ACMG Guidelines, 2015. Collection method: clinical testing. Allele origin: germline.

Labcorp Genetics (formerly Invitae), Labcorp
Classification: Uncertain significance for Charcot-Marie-Tooth disease type 2. Last evaluated: 2024-02-15. Review status: criteria provided, single submitter. Criteria: Invitae Variant Classification Sherloc (09022015). Collection method: clinical testing. Allele origin: germline.
Comment: This sequence change affects codon 1306 of the KIF1B mRNA. It is a 'silent' change, meaning that it does not change the encoded amino acid sequence of the KIF1B protein. It affects a nucleotide within the consensus splice site. This variant is not present in population databases (gnomAD no frequency). This variant has not been reported in the literature in individuals affected with KIF1B-related conditions. Algorithms developed to predict the effect of sequence changes on RNA splicing suggest that this variant is not likely to affect RNA splicing. In summary, the available evidence is currently insufficient to determine the role of this variant in disease. Therefore, it has been classified as a Variant of Uncertain Significance.